The following is an entry in ClinVar:

ClinVar aggregate classification (germline): Uncertain significance (1 of 4 stars; one submission).

Conditions:
Developmental and epileptic encephalopathy, 1 (DEE1). Also called: INFANTILE SPASM SYNDROME, X-LINKED 1; X-linked infantile spasms; West's syndrome; Tonic spasms with clustering, arrest of psychomotor development and hypsarrhythmia on EEG; X-Linked Infantile Spasm Syndrome; OHTAHARA SYNDROME, X-LINKED. Identifiers: MedGen C3463992, MONDO:0010632, OMIM 308350. Disease mechanism: loss of function.
Intellectual disability, X-linked, with or without seizures, ARX-related. Also called: MENTAL RETARDATION, X-LINKED 29; MENTAL RETARDATION, X-LINKED 32; MENTAL RETARDATION, X-LINKED 33; MENTAL RETARDATION, X-LINKED 38; MENTAL RETARDATION, X-LINKED 43; MENTAL RETARDATION, X-LINKED 76. Identifiers: Orphanet 777, MedGen C0796244, MONDO:0010317, OMIM 300419.

Submission:

Labcorp Genetics (formerly Invitae), Labcorp
Classification: Uncertain significance for Developmental and epileptic encephalopathy, 1; Intellectual disability, X-linked, with or without seizures, ARX-related. Last evaluated: 2024-01-25. Review status: criteria provided, single submitter. Criteria: Invitae Variant Classification Sherloc (09022015). Collection method: clinical testing. Allele origin: unknown.
Comment: A copy number gain of the genomic region encompassing the full coding sequence of the ARX gene has been identified. The boundaries of this event are unknown as they extend beyond the assayed region for this gene and therefore may encompass additional genes. As the precise location of this event is unknown, it may be in tandem or it may be located elsewhere in the genome. Isolated whole-gene copy number gains of ARX have not been reported in the literature. However, larger copy number events that include this gene have been reported (PMID: 24643514, 26337422). In summary, the available evidence is currently insufficient to determine the role of this variant in disease. Therefore, it has been classified as a Variant of Uncertain Significance.

Literature cited by the submitters: PubMed 24643514; PubMed 26337422.

NC_000023.10:g.(?_25022787)_(25033854_?)dup

Gene: ARX (aristaless related homeobox; minus strand). Cytogenetic location: Xp21.3.
Variant type: Duplication.
Identifiers: ClinVar variation 3245505 (VCV003245505.1).